The following is an entry in ClinVar:

NM_001079.4(ZAP70):c.366G>C (p.Met122Ile)

Gene: ZAP70 (zeta chain of T cell receptor associated protein kinase 70; plus strand). Cytogenetic location: 2q11.2.
Variant type: single nucleotide variant.
Coding change: c.366G>C on transcript NM_001079.4 (MANE Select); coding-DNA position 366, G replaced by C.
Protein change: p.Met122Ile; replaces methionine 122 with isoleucine.
Molecular consequence: missense variant.
Genome position (GRCh38, 1-based): chr2:97,724,402, G>C. VCF-style: chr2-97724402-G-C. GRCh37 (hg19) VCF-style: chr2-98340865-G-C.
Other names: c.366G>C, p.Met122Ile (NM_001378594.1); short protein forms M122I.
Identifiers: ClinVar variation 1383773 (VCV001383773.8), dbSNP rs2104662418, ClinGen allele CA347791242.

ClinVar aggregate classification (germline): Uncertain significance (1 of 4 stars; one submission).

Conditions:
Combined immunodeficiency due to ZAP70 deficiency (IMD48). Also called: Immunodeficiency 48; ZAP70 Deficiency. Identifiers: Orphanet 911, MedGen C2931299, MONDO:0010023, OMIM 269840.

Submission:

Labcorp Genetics (formerly Invitae), Labcorp
Classification: Uncertain significance for Combined immunodeficiency due to ZAP70 deficiency. Last evaluated: 2022-09-12. Review status: criteria provided, single submitter. Criteria: Invitae Variant Classification Sherloc (09022015). Collection method: clinical testing. Allele origin: germline.
Comment: In summary, the available evidence is currently insufficient to determine the role of this variant in disease. Therefore, it has been classified as a Variant of Uncertain Significance. Algorithms developed to predict the effect of missense changes on protein structure and function are either unavailable or do not agree on the potential impact of this missense change (SIFT: "Not Available"; PolyPhen-2: "Benign"; Align-GVGD: "Not Available"). ClinVar contains an entry for this variant (Variation ID: 1383773). This variant has not been reported in the literature in individuals affected with ZAP70-related conditions. This variant is not present in population databases (gnomAD no frequency). This sequence change replaces methionine with isoleucine at codon 122 of the ZAP70 protein (p.Met122Ile). The methionine residue is moderately conserved and there is a small physicochemical difference between methionine and isoleucine.